The following is an entry in ClinVar:

ClinVar aggregate classification (germline): Uncertain significance. Review status: criteria provided, multiple submitters, no conflicts (2 of 4 stars). 2 submissions from 2 submitters: Uncertain significance (2). Last evaluated 2025-05-12.

Conditions:
Combined immunodeficiency due to LRBA deficiency. Also called: Common variable immunodeficiency 8, with autoimmunity. Identifiers: Orphanet 445018, MedGen C3553512, MONDO:0013863, OMIM 614700.

Submissions (2):

Labcorp Genetics (formerly Invitae), Labcorp
Classification: Uncertain significance for Combined immunodeficiency due to LRBA deficiency. Last evaluated: 2025-05-12. Review status: criteria provided, single submitter. Criteria: Invitae Variant Classification Sherloc (09022015). Collection method: clinical testing. Allele origin: germline.
Comment: This sequence change replaces leucine, which is neutral and non-polar, with valine, which is neutral and non-polar, at codon 1318 of the LRBA protein (p.Leu1318Val). This variant is not present in population databases (gnomAD no frequency). This variant has not been reported in the literature in individuals affected with LRBA-related conditions. ClinVar contains an entry for this variant (Variation ID: 1687373). Invitae Evidence Modeling of protein sequence and biophysical properties (such as structural, functional, and spatial information, amino acid conservation, physicochemical variation, residue mobility, and thermodynamic stability) indicates that this missense variant is expected to disrupt LRBA protein function with a positive predictive value of 80%. In summary, the available evidence is currently insufficient to determine the role of this variant in disease. Therefore, it has been classified as a Variant of Uncertain Significance.

3billion
Classification: Uncertain significance for Combined immunodeficiency due to LRBA deficiency. Last evaluated: 2022-05-22. Review status: criteria provided, single submitter. Criteria: ACMG Guidelines, 2015. Collection method: clinical testing. Allele origin: germline. Affected: yes. Observed: 1 heterozygote.
Comment: The variant is not observed in the gnomAD v2.1.1 dataset. Protein truncation variants are a common disease-causing mechanism. Therefore, this variant is classified as uncertain significanceaccording to the recommendation of ACMG/AMP guideline.

NM_001364905.1(LRBA):c.3952T>G (p.Leu1318Val)

Gene: LRBA (LPS responsive beige-like anchor protein; minus strand). Cytogenetic location: 4q31.3.
Variant type: single nucleotide variant.
Coding change: c.3952T>G on transcript NM_001364905.1 (MANE Select); coding-DNA position 3952, T replaced by G.
Protein change: p.Leu1318Val; replaces leucine 1318 with valine.
Molecular consequence: missense variant.
Genome position (GRCh38, 1-based): chr4:150,850,776, A>C on the plus strand (T>G on the coding strand, the complement: LRBA is on the minus strand). VCF-style: chr4-150850776-A-C. GRCh37 (hg19) VCF-style: chr4-151771928-A-C.
Other names: c.3952T>G, p.Leu1318Val (NM_001199282.3, NM_001367550.1, NM_006726.5); short protein forms L1318V.
Identifiers: ClinVar variation 1687373 (VCV001687373.2), dbSNP rs2126914920, ClinGen allele CA358455387.